The following is an entry in ClinVar:

ClinVar aggregate classification (germline): Uncertain significance (1 of 4 stars; one submission).

Submission:

GeneDx
Classification: Uncertain significance. Last evaluated: 2023-03-14. Review status: criteria provided, single submitter. Criteria: GeneDx Variant Classification Process June 2021. Collection method: clinical testing. Allele origin: germline. Affected: yes.
Comment: Not observed at significant frequency in large population cohorts (gnomAD); In silico analysis supports that this missense variant does not alter protein structure/function; Has not been previously published as pathogenic or benign to our knowledge

NM_006035.4(CDC42BPB):c.1029A>C (p.Glu343Asp)

Gene: CDC42BPB (CDC42 binding protein kinase beta; minus strand). Cytogenetic location: 14q32.32.
Variant type: single nucleotide variant.
Coding change: c.1029A>C on transcript NM_006035.4 (MANE Select); coding-DNA position 1029, A replaced by C.
Protein change: p.Glu343Asp; replaces glutamic acid 343 with aspartic acid.
Molecular consequence: missense variant.
Genome position (GRCh38, 1-based): chr14:102,980,884, T>G on the plus strand (A>C on the coding strand, the complement: CDC42BPB is on the minus strand). VCF-style: chr14-102980884-T-G. GRCh37 (hg19) VCF-style: chr14-103447221-T-G.
Other names: c.1029A>C, p.Glu343Asp (NM_001411054.1); short protein forms E343D.
Identifiers: ClinVar variation 2579779 (VCV002579779.1), dbSNP rs759187888, ClinGen allele CA391090795.